The following is an entry in ClinVar:

ClinVar aggregate classification (germline): Likely benign (1 of 4 stars; one submission).

gnomAD v4.1: 919 of 1,614,046 alleles (0.057%); highest among the groups gnomAD compares: African/African-American, 0.98%; 4 homozygotes.

Submission:

CeGaT Center for Human Genetics Tuebingen
Classification: Likely benign. Last evaluated: 2024-09-01. Review status: criteria provided, single submitter. Criteria: CeGaT Center For Human Genetics Tuebingen Variant Classification Criteria Version 2. Collection method: clinical testing. Allele origin: germline. Affected: yes. Observed: 1 variant allele.
Comment: ADAMTSL1: BP4, BP7

NM_001040272.6(ADAMTSL1):c.537C>T (p.Asn179=)

Gene: ADAMTSL1 (ADAMTS like 1; plus strand). Cytogenetic location: 9p22.1.
Variant type: single nucleotide variant.
Coding change: c.537C>T on transcript NM_001040272.6 (MANE Select); coding-DNA position 537, C replaced by T.
Protein change: p.Asn179=; no amino-acid change (asparagine 179 retained).
Molecular consequence: synonymous variant.
Genome position (GRCh38, 1-based): chr9:18,622,305, C>T. VCF-style: chr9-18622305-C-T. GRCh37 (hg19) VCF-style: chr9-18622303-C-T.
Other names: c.537C>T, p.Asn179= (NM_052866.5).
Identifiers: ClinVar variation 3388485 (VCV003388485.14).
Genomic context (GRCh38, chr9:18,622,305, plus strand): 5'-TGTTGGCTGCGATCACCAGCTGGGAAGCACCGTCAAGGAAGATAACTGTGGGGTCTGCAA[C>T]GGAGATGGGTCCACCTGCCGGCTGGTCCGAGGGCAGTATAAATCCCAGCTCTCCGCAACC-3'
Protein context (NP_001035362.3, residues 169-189): TVKEDNCGVC[Asn179=]GDGSTCRLVR